The following is an entry in ClinVar:

NM_025000.4(DCAF17):c.153G>A (p.Trp51Ter)

Gene: DCAF17 (DDB1 and CUL4 associated factor 17; plus strand). Cytogenetic location: 2q31.1.
Variant type: single nucleotide variant.
Coding change: c.153G>A on transcript NM_025000.4 (MANE Select); coding-DNA position 153, G replaced by A.
Protein change: p.Trp51Ter; replaces tryptophan 51 with a stop codon.
Molecular consequence: nonsense. On other transcripts: non-coding transcript variant (1).
Genome position (GRCh38, 1-based): chr2:171,435,109, G>A. VCF-style: chr2-171435109-G-A. GRCh37 (hg19) VCF-style: chr2-172291619-G-A.
Other names: c.153G>A, p.Trp51Ter (NM_001164821.2); c.153G>A (NM_025000.3); short protein forms W51*.
Identifiers: ClinVar variation 3777198 (VCV003777198.1).

ClinVar aggregate classification (germline): Pathogenic (1 of 4 stars; one submission).

Conditions:
Woodhouse-Sakati syndrome. Also called: Hypogonadism, Alopecia, Diabetes Mellitus, Mental Retardation, and Extrapyramidal Syndrome; Hypogonadism, diabetes mellitus, alopecia, mental retardation and electrocardiographic abnormalities; EXTRAPYRAMIDAL DISORDER, PROGRESSIVE, WITH PRIMARY HYPOGONADISM, MENTAL RETARDATION, AND ALOPECIA. Identifiers: Orphanet 3464, MedGen C0342286, MONDO:0009419, OMIM 241080.

gnomAD v4.1: 2 of 1,611,864 alleles (0.00012%); highest among the groups gnomAD compares: Non-Finnish European, 0.00017%; no homozygotes.

Submission:

University of Washington Department of Laboratory Medicine, University of Washington
Classification: Pathogenic for Woodhouse-Sakati syndrome. Last evaluated: 2023-01-19. Review status: criteria provided, single submitter. Criteria: ACMG Guidelines, 2015. Collection method: clinical testing. Allele origin: unknown. Affected: yes.
Comment: This variant was absent from large population databases, including the Genome Aggregation Database. The p.Trp51* variant leads to a premature termination codon in exon 2 of 14 exons and is predicted to undergo nonsense-mediated decay resulting in a truncated or absent protein. These predictions have not been tested directly. Biallelic loss of the DCAF17 gene’s function is an established mechanism of disease. Using ACMG guidelines, this variant was classified as pathogenic for autosomal recessive Woodhouse-Sakati syndrome (ACMG evidence codes used: PVS1, PM3_supporting, PM2_supporting).